The following is an entry in ClinVar:

ClinVar aggregate classification (germline): Uncertain significance (1 of 4 stars; one submission).

Allele frequency attached by ClinVar (database versions not stated): gnomAD exomes below 0.00001; ExAC 0.00002.
gnomAD v4.1: 2 of 1,614,214 alleles (0.00012%); highest among the groups gnomAD compares: Non-Finnish European, 0.00017%; no homozygotes.

Submission:

Labcorp Genetics (formerly Invitae), Labcorp
Classification: Uncertain significance. Last evaluated: 2022-04-20. Review status: criteria provided, single submitter. Criteria: Invitae Variant Classification Sherloc (09022015). Collection method: clinical testing. Allele origin: germline.
Comment: In summary, the available evidence is currently insufficient to determine the role of this variant in disease. Therefore, it has been classified as a Variant of Uncertain Significance. Algorithms developed to predict the effect of missense changes on protein structure and function are either unavailable or do not agree on the potential impact of this missense change (SIFT: "Not Available"; PolyPhen-2: "Probably Damaging"; Align-GVGD: "Not Available"). This variant has not been reported in the literature in individuals affected with UNC45A-related conditions. This variant is present in population databases (rs764877838, gnomAD 0.002%). This sequence change replaces lysine, which is basic and polar, with glutamic acid, which is acidic and polar, at codon 321 of the UNC45A protein (p.Lys321Glu).

NM_018671.5(UNC45A):c.961A>G (p.Lys321Glu)

Gene: UNC45A (unc-45 myosin chaperone A; plus strand). Cytogenetic location: 15q26.1.
Variant type: single nucleotide variant.
Coding change: c.961A>G on transcript NM_018671.5 (MANE Select); coding-DNA position 961, A replaced by G.
Protein change: p.Lys321Glu; replaces lysine 321 with glutamic acid.
Molecular consequence: missense variant.
Genome position (GRCh38, 1-based): chr15:90,943,016, A>G. VCF-style: chr15-90943016-A-G. GRCh37 (hg19) VCF-style: chr15-91486246-A-G.
Other names: c.916A>G, p.Lys306Glu (NM_001039675.2, NM_001323621.2); c.961A>G, p.Lys321Glu (NM_001323619.1); c.526A>G, p.Lys176Glu (NM_001323620.2); short protein forms K176E, K306E, K321E.
Identifiers: ClinVar variation 2128520 (VCV002128520.4), dbSNP rs764877838, ClinGen allele CA7742732.